The following is an entry in ClinVar:

ClinVar aggregate classification (germline): Uncertain significance (1 of 4 stars; one submission).

Allele frequency attached by ClinVar (database versions not stated): gnomAD exomes 0.00001; gnomAD 0.00001; TOPMed 0.00002.
gnomAD v4.1: 21 of 1,553,690 alleles (0.0014%); highest among the groups gnomAD compares: Non-Finnish European, 0.0018%; no homozygotes.

Submission:

Labcorp Genetics (formerly Invitae), Labcorp
Classification: Uncertain significance. Last evaluated: 2021-12-03. Review status: criteria provided, single submitter. Criteria: Invitae Variant Classification Sherloc (09022015). Collection method: clinical testing. Allele origin: germline.
Comment: In summary, the available evidence is currently insufficient to determine the role of this variant in disease. Therefore, it has been classified as a Variant of Uncertain Significance. This variant has not been reported in the literature in individuals affected with RBPJ-related conditions. This variant is present in population databases (no rsID available, gnomAD 0.002%). This sequence change affects the initiator methionine of the RBPJ mRNA. The next in-frame methionine is located at codon 36.

NC_000004.12:g.26320757A>T

Gene: RBPJ (recombination signal binding protein for immunoglobulin kappa J region; plus strand). Cytogenetic location: 4p15.2.
Variant type: single nucleotide variant.
Molecular consequence: missense variant, initiator codon variant (on NM_001374400.1). On other transcripts: 5 prime UTR variant (1), intron variant (4).
Genome position: GRCh38 VCF-style: chr4-26320757-A-T. GRCh37 (hg19) VCF-style: chr4-26322379-A-T.
Other names: c.1A>T, p.Met1Leu (NM_001374400.1, NM_001379408.1, NM_005349.4); c.-225A>T (NM_001379407.1); c.-166-41689A>T (NM_001374401.1); c.-167+869A>T (NM_001379406.1); c.-47+869A>T (NM_203283.5); c.14+869A>T (NM_001379409.1); short protein forms M1L.
Identifiers: ClinVar variation 1396010 (VCV001396010.7), dbSNP rs1229623895, ClinGen allele CA356668290.